The following is an entry in ClinVar:

NM_020911.2(PLXNA4):c.2395+10_2395+23del

Gene: PLXNA4 (plexin A4; minus strand). Cytogenetic location: 7q32.3.
Variant type: Deletion.
Coding change: c.2395+10_2395+23del on transcript NM_020911.2 (MANE Select); bases 10 to 23 of the intron after coding-DNA position 2395, 14 bases deleted (GGCTGGGGCCTAGC).
Molecular consequence: intron variant.
Genome position (GRCh38, 1-based): chr7:132,203,300-132,203,313, GCTAGGCCCCAGCC deleted on the plus strand (GGCTGGGGCCTAGC on the coding strand, the reverse complement: PLXNA4 is on the minus strand). VCF-style (leftmost placement, unchanged base first): chr7-132203299-TGCTAGGCCCCAGCC-T. GRCh37 (hg19) VCF-style: chr7-131888058-TGCTAGGCCCCAGCC-T.
Other names: c.2395+10_2395+23del (NM_001393897.1).
Identifiers: ClinVar variation 3056740 (VCV003056740.2), dbSNP rs143605398, ClinGen allele CA4489806.

ClinVar aggregate classification (germline): Benign (0 of 4 stars; one submission).

Conditions:
PLXNA4-related disorder. Also called: PLXNA4-related condition.

Allele frequency attached by ClinVar (database versions not stated): gnomAD 0.06341; 1000 Genomes Project 0.06350; TOPMed 0.06503; ExAC 0.06709; gnomAD exomes 0.09428.

Submission:

PreventionGenetics, part of Exact Sciences
Classification: Benign for PLXNA4-related condition. Last evaluated: 2022-11-22. Review status: no assertion criteria provided. Collection method: clinical testing. Allele origin: germline.
Comment: This variant is classified as benign based on ACMG/AMP sequence variant interpretation guidelines (Richards et al. 2015 PMID: 25741868, with internal and published modifications).